The following is an entry in ClinVar:

ClinVar aggregate classification (germline): Uncertain significance (1 of 4 stars; one submission).

Allele frequency attached by ClinVar (database versions not stated): gnomAD exomes below 0.00001; TOPMed below 0.00001; ExAC 0.00001.

Submission:

Labcorp Genetics (formerly Invitae), Labcorp
Classification: Uncertain significance. Last evaluated: 2025-02-12. Review status: criteria provided, single submitter. Criteria: Invitae Variant Classification Sherloc (09022015). Collection method: clinical testing. Allele origin: germline.
Comment: This sequence change replaces valine, which is neutral and non-polar, with phenylalanine, which is neutral and non-polar, at codon 78 of the TUBA8 protein (p.Val78Phe). This variant is present in population databases (rs780708771, gnomAD 0.006%). This variant has not been reported in the literature in individuals affected with TUBA8-related conditions. ClinVar contains an entry for this variant (Variation ID: 2996347). Invitae Evidence Modeling of protein sequence and biophysical properties (such as structural, functional, and spatial information, amino acid conservation, physicochemical variation, residue mobility, and thermodynamic stability) indicates that this missense variant is not expected to disrupt TUBA8 protein function with a negative predictive value of 80%. In summary, the available evidence is currently insufficient to determine the role of this variant in disease. Therefore, it has been classified as a Variant of Uncertain Significance.

NM_018943.3(TUBA8):c.232G>T (p.Val78Phe)

Gene: TUBA8 (tubulin alpha 8; plus strand). Cytogenetic location: 22q11.21.
Variant type: single nucleotide variant.
Coding change: c.232G>T on transcript NM_018943.3 (MANE Select); coding-DNA position 232, G replaced by T.
Protein change: p.Val78Phe; replaces valine 78 with phenylalanine.
Molecular consequence: missense variant.
Genome position (GRCh38, 1-based): chr22:18,124,161, G>T. VCF-style: chr22-18124161-G-T. GRCh37 (hg19) VCF-style: chr22-18606928-G-T.
Other names: c.34G>T, p.Val12Phe (NM_001193414.2); short protein forms V12F, V78F.
Identifiers: ClinVar variation 2996347 (VCV002996347.3), dbSNP rs780708771, ClinGen allele CA10093624.
Genomic context (GRCh38, chr22:18,124,161, plus strand): 5'-GGAGGGAGGCTTCTCCCCTGGGCAGTAGGACCTAATGGTCTTCCTCTCTTGGAAGATGAG[G>T]TTCGGGCAGGAACCTACCGCCAGCTCTTCCATCCAGAGCAGCTGATCACAGGAAAGGAGG-3'
Protein context (NP_061816.1, residues 68-88): IDLEPTVVDE[Val78Phe]RAGTYRQLFH